The following is an entry in ClinVar:

ClinVar aggregate classification (germline): Uncertain significance. Review status: criteria provided, multiple submitters, no conflicts (2 of 4 stars). 3 submissions from 3 submitters: Uncertain significance (3). Last evaluated 2022-09-19.

Conditions:
SKIN/HAIR/EYE PIGMENTATION 5, BLACK/NONBLACK HAIR (SHEP5). Also called: SKIN/HAIR/EYE PIGMENTATION, VARIATION IN, 5; SKIN/HAIR/EYE PIGMENTATION 5, DARK/FAIR SKIN; SKIN/HAIR/EYE PIGMENTATION 5, DARK/LIGHT EYES. Identifiers: MedGen C2673584, OMIM 227240.
Oculocutaneous albinism type 4 (OCA4). Also called: Albinism, oculocutaneous, type IV. Identifiers: Orphanet 79435, MedGen C1847836, MONDO:0011683, OMIM 606574.

Allele frequency attached by ClinVar (database versions not stated): gnomAD exomes 0.00001; gnomAD 0.00003 and 0.00004.

Submissions (3):

Labcorp Genetics (formerly Invitae), Labcorp
Classification: Uncertain significance. Last evaluated: 2022-09-19. Review status: criteria provided, single submitter. Criteria: Invitae Variant Classification Sherloc (09022015). Collection method: clinical testing. Allele origin: germline.
Comment: This sequence change replaces arginine, which is basic and polar, with cysteine, which is neutral and slightly polar, at codon 101 of the SLC45A2 protein (p.Arg101Cys). This variant is present in population databases (rs779436059, gnomAD 0.01%). This missense change has been observed in individual(s) with oculocutaneous albinism (PMID: 18463683). ClinVar contains an entry for this variant (Variation ID: 1404786). Advanced modeling of protein sequence and biophysical properties (such as structural, functional, and spatial information, amino acid conservation, physicochemical variation, residue mobility, and thermodynamic stability) performed at Invitae indicates that this missense variant is expected to disrupt SLC45A2 protein function. In summary, the available evidence is currently insufficient to determine the role of this variant in disease. Therefore, it has been classified as a Variant of Uncertain Significance.

Blueprint Genetics
Classification: Uncertain significance. Last evaluated: 2022-07-05. Review status: criteria provided, single submitter. Criteria: ACMG Guidelines, 2015. Collection method: clinical testing. Allele origin: germline.

Fulgent Genetics
Classification: Uncertain significance for SKIN/HAIR/EYE PIGMENTATION 5, BLACK/NONBLACK HAIR; Oculocutaneous albinism type 4. Last evaluated: 2021-08-19. Review status: criteria provided, single submitter. Criteria: ACMG Guidelines, 2015. Collection method: clinical testing. Allele origin: unknown.

Literature cited by the submitters: PubMed 18463683 (cited by Labcorp Genetics (formerly Invitae), Labcorp).

NM_016180.5(SLC45A2):c.301C>T (p.Arg101Cys)

Gene: SLC45A2 (solute carrier family 45 member 2; minus strand). Cytogenetic location: 5p13.2.
Variant type: single nucleotide variant.
Coding change: c.301C>T on transcript NM_016180.5 (MANE Select); coding-DNA position 301, C replaced by T.
Protein change: p.Arg101Cys; replaces arginine 101 with cysteine.
Molecular consequence: missense variant.
Genome position (GRCh38, 1-based): chr5:33,984,283, G>A on the plus strand (C>T on the coding strand, the complement: SLC45A2 is on the minus strand). VCF-style: chr5-33984283-G-A. GRCh37 (hg19) VCF-style: chr5-33984388-G-A.
Other names: c.301C>T, p.Arg101Cys (NM_001012509.4, NM_001297417.4); short protein forms R101C.
Identifiers: ClinVar variation 1404786 (VCV001404786.5), dbSNP rs779436059, ClinGen allele CA116903473.
Genomic context (GRCh38, chr5:33,984,283, plus strand): 5'-GGTACAGAGCCATGCCCACGAGCATCATGACTCCCAGGGTGAGGATGTAGGGTCTCCGGC[G>A]GCCCCACCTGGACCGGCAGTGGTCGCTGGCCGATCCGACCACGGGCTGCAGCAGGAATCC-3'
Protein context (NP_057264.4, residues 91-111): ASDHCRSRWG[Arg101Cys]RRPYILTLGV